The following is an entry in ClinVar:

NM_000059.4(BRCA2):c.9502-12T>G

Gene: BRCA2 (BRCA2 DNA repair associated; plus strand). Cytogenetic location: 13q13.1.
Variant type: single nucleotide variant.
Coding change: c.9502-12T>G on transcript NM_000059.4 (MANE Select); 12 bases into the intron before coding-DNA position 9502, T replaced by G.
Molecular consequence: intron variant.
Genome position (GRCh38, 1-based): chr13:32,396,886, T>G. VCF-style: chr13-32396886-T-G. GRCh37 (hg19) VCF-style: chr13-32971023-T-G.
Other names: IVS25-12T/G; p.?.
Identifiers: ClinVar variation 52856 (VCV000052856.58), dbSNP rs81002803, ClinGen allele CA026188.
Genomic context (GRCh38, chr13:32,396,886, plus strand): 5'-AGGAAATACTTTTGGAAACATAAATATGTGGGTTTGCAATTTATAAAGCAGCTTTTCCAC[T>G]TATTTTCTTAGAATATTGACATACTTTGCAATGAAGCAGAAAACAAGCTTATGCATATAC-3'

ClinVar aggregate classification (germline): Benign. Review status: reviewed by expert panel (3 of 4 stars). 21 submissions from 20 submitters: Benign (1). 20 of the submissions do not count toward it. Last evaluated 2019-06-18.

Conditions:
BRCA2-related disorder. Also called: BRCA2-related condition; BRCA2-related disorders. Identifiers: MedGen CN239275.
Hereditary cancer-predisposing syndrome. Also called: Hereditary Cancer Syndrome; Tumor predisposition; Neoplastic Syndromes, Hereditary; Hereditary neoplastic syndrome. Identifiers: Orphanet 140162, MedGen C0027672, MeSH D009386, MONDO:0015356.
Hereditary breast ovarian cancer syndrome. Also called: Breast and ovarian cancer; BRCA1- and BRCA2-Associated Hereditary Breast and Ovarian Cancer; Hereditary breast and ovarian cancer; Hereditary breast and ovarian cancer syndrome (HBOC); Hereditary breast and ovarian cancer syndrome; Hereditary breast and/or ovarian cancer syndrome. Identifiers: Orphanet 145, MedGen C0677776, MeSH D061325, MONDO:0003582. Disease mechanism: loss of function.
Fanconi anemia complementation group D1. Also called: BRCA2-Related Fanconi Anemia. Identifiers: Orphanet 319462, MedGen C1838457, MONDO:0011584, OMIM 605724.
Breast-ovarian cancer, familial, susceptibility to, 2 (BROVCA2). Also called: BRCA2 Hereditary Breast and Ovarian Cancer. Identifiers: Orphanet 145, MedGen C2675520, MONDO:0012933, OMIM 612555. Disease mechanism: loss of function.
Familial cancer of breast. Also called: BREAST CANCER, FAMILIAL; hereditary breast carcinoma; Hereditary breast cancer. Identifiers: Orphanet 227535, MedGen C0346153, MONDO:0016419, OMIM 114480. Disease mechanism: loss of function.

Allele frequency attached by ClinVar (database versions not stated): ExAC 0.00012; TOPMed 0.00012; ESP Exome Variant Server 0.00015; gnomAD 0.00022; gnomAD exomes 0.00009.
gnomAD v4.1: 186 of 1,613,892 alleles (0.012%); highest among the groups gnomAD compares: Non-Finnish European, 0.015%; no homozygotes.

Submissions 1 to 13 of 21:

Evidence-based Network for the Interpretation of Germline Mutant Alleles (ENIGMA)
Classification: Benign for Breast-ovarian cancer, familial, susceptibility to, 2. Last evaluated: 2019-06-18. Review status: reviewed by expert panel. Criteria: ENIGMA BRCA1/2 Classification Criteria (2017-06-29). Collection method: curation. Allele origin: germline.
Comment: IARC class based on posterior probability from multifactorial likelihood analysis, thresholds for class as per Plon et al. 2008 (PMID: 18951446). Class 1 based on posterior probability = 4.00E-07

Labcorp Genetics (formerly Invitae), Labcorp
Classification: Benign for Hereditary breast ovarian cancer syndrome. Last evaluated: 2026-01-31. Review status: criteria provided, single submitter. Criteria: Invitae Variant Classification Sherloc (09022015). Collection method: clinical testing. Allele origin: germline. Not counted in ClinVar's aggregate classification.

Mayo Clinic Laboratories, Mayo Clinic
Classification: Benign. Last evaluated: 2025-07-29. Review status: criteria provided, single submitter. Criteria: ACMG Guidelines, 2015. Collection method: clinical testing. Allele origin: germline. Observed: 2 variant alleles. Not counted in ClinVar's aggregate classification.
Comment: BS1, BP5_strong

CeGaT Center for Human Genetics Tuebingen
Classification: Benign. Last evaluated: 2025-05-01. Review status: criteria provided, single submitter. Criteria: CeGaT Center For Human Genetics Tuebingen Variant Classification Criteria Version 2. Collection method: clinical testing. Allele origin: germline. Affected: yes. Observed: 1 variant allele. Not counted in ClinVar's aggregate classification.
Comment: BRCA2: BS2, BS3

Center for Genomic Medicine, Rigshospitalet, Copenhagen University Hospital
Classification: Benign. Last evaluated: 2025-03-04. Review status: criteria provided, single submitter. Criteria: ACMG Guidelines, 2015. Collection method: clinical testing. Allele origin: germline. Not counted in ClinVar's aggregate classification.

Blueprint Genetics
Classification: Likely benign. Last evaluated: 2024-11-05. Review status: criteria provided, single submitter. Criteria: ACMG Guidelines, 2015. Collection method: clinical testing. Allele origin: germline. Not counted in ClinVar's aggregate classification.

ARUP Laboratories, Molecular Genetics and Genomics, ARUP Laboratories
Classification: Benign. Last evaluated: 2024-06-10. Review status: criteria provided, single submitter. Criteria: ARUP Molecular Germline Variant Investigation Process 2024. Collection method: clinical testing. Allele origin: germline. Not counted in ClinVar's aggregate classification.

Mendelics
Classification: Benign for Hereditary breast ovarian cancer syndrome. Last evaluated: 2023-08-22. Review status: criteria provided, single submitter. Criteria: Mendelics Assertion Criteria 2019. Collection method: clinical testing. Allele origin: germline. Not counted in ClinVar's aggregate classification.

Sema4
Classification: Likely benign for Hereditary cancer-predisposing syndrome. Last evaluated: 2021-03-31. Review status: criteria provided, single submitter. Criteria: Sema4 Curation Guidelines. Collection method: curation. Allele origin: germline. Not counted in ClinVar's aggregate classification.

Women's Health and Genetics/Laboratory Corporation of America, LabCorp
Classification: Benign. Last evaluated: 2021-03-22. Review status: criteria provided, single submitter. Criteria: LabCorp Variant Classification Summary - May 2015. Collection method: clinical testing. Allele origin: germline. Not counted in ClinVar's aggregate classification.
Comment: Variant summary: BRCA2 c.9502-12T>G alters a conserved nucleotide located close to a canonical splice site and therefore could affect mRNA splicing, leading to a significantly altered protein sequence. 4/4 computational tools predict no significant impact on normal splicing. However, these predictions have yet to be confirmed by functional studies. The variant allele was found at a frequency of 9.1e-05 in 251630 control chromosomes. This frequency is not significantly higher than expected for a pathogenic variant in BRCA2 causing Hereditary Breast And Ovarian Cancer Syndrome (9.1e-05 vs 0.00075), allowing no conclusion about variant significance. c.9502-12T>G has been reported in the literature in individuals affected with breast/ovarian cancer (example, Houdayer_2012, Joosse_2012, Vehmanen_1997, Tea_2014, Levanat_2012, Wong-Brown_2015). These report(s) do not provide unequivocal conclusions about association of the variant with Hereditary Breast and Ovarian Cancer. At-least one co-occurrence with another pathogenic variant has been reported in the UMD database (BRCA2 c.1232_1242delinsACAT, p.Ile411AsnfsX17), providing supporting evidence for a benign role. Several publications report experimental evidence demonstrating no splicing impact of this variant utilizing stabilized RNA extracted from lymphoblastoid cell lines and in minigene assays (example, Acedo_2015, Houdayer_2012 and Wangensteen_2019). Although at-least one study has demonstrated a partial effect on splicing reporting a skipping of exon 26, the physiological consequences of which are unknown (Leman_2018). Multiple clinical diagnostic laboratories and an expert panel (ENIGMA) have submitted clinical-significance assessments for this variant to ClinVar after 2014 without evidence for independent evaluation. Multiple submitters reported the variant with conflicting assessments (benign, n=3, likely benign, n=1, VUS, n=5) of whom the expert panel has assessed the variant as benign. Due to the lack of any evidence supporting an actionable outcome in over five years of evaluations at our laboratory, further supported by the emerging consensus among peers as outlined above, the variant was classified as benign.

Genetics and Molecular Pathology, SA Pathology
Classification: Benign for Familial cancer of breast. Last evaluated: 2020-10-12. Review status: criteria provided, single submitter. Criteria: ACMG Guidelines, 2015. Collection method: clinical testing. Allele origin: germline. Affected: yes. Not counted in ClinVar's aggregate classification.
Comment: The BRCA2 c.9502-12T>G variant is classified as Benign (BS3, BP4, BP6) Well established functional studies do not support a deleterious effect of this variant (BS3). Functional studies reported in the literature indicate aberrant splicing results from this variant (Joosse et al., 2010 PMID:20614180), and was confirmed by our laboratory in 2015. However independent studies demonstrate the abnormal transcripts are expressed at a very low level (8%) below that expected to effect haploinsufficiency (Houdayer et al., 2012 PMID:22505045, Acedo et al., 2015 PMID: 25382762) Multiple lines of computational evidence suggest this variant has no impact on the gene or gene product (BP4). Functional studies for this variant are inconsistent in their conclusions. RNA studies performed by our laboratory in 2015 indicate that BRCA2:c.9502-12T>G does effect abnormal splicing, however clinical importance of the transcribed mRNA variants remains uncertain. Joosse et al., 2010 (PMID:20614180) demonstrated that this variant led to the deletion of exon 26 and results in non-functional proteins. However, Houdayer et al., 2012 (PMID: 22505045) recorded that the observed consequence of BRCA2:c.9502-12T>G was ‘no change’. Finally, Acedo et al., 2015 (PMID: 25382762) used a minigene assay to demonstrate that this variant results in very low level of exon 26 skipping (8%).

Ambry Genetics
Classification: Likely benign for Hereditary cancer-predisposing syndrome. Last evaluated: 2020-01-16. Review status: criteria provided, single submitter. Criteria: Ambry Variant Classification Scheme 2023. Collection method: clinical testing. Allele origin: germline. Not counted in ClinVar's aggregate classification.

Genetic Services Laboratory, University of Chicago
Classification: Uncertain significance. Last evaluated: 2019-08-01. Review status: criteria provided, single submitter. Criteria: ACMG Guidelines, 2015. Collection method: clinical testing. Allele origin: germline. Affected: no. Not counted in ClinVar's aggregate classification.